The following is an entry in ClinVar:

NM_012470.4(TNPO3):c.1961C>T (p.Ala654Val)

Gene: TNPO3 (transportin 3; minus strand). Cytogenetic location: 7q32.1.
Variant type: single nucleotide variant.
Coding change: c.1961C>T on transcript NM_012470.4 (MANE Select); coding-DNA position 1961, C replaced by T.
Protein change: p.Ala654Val; replaces alanine 654 with valine.
Molecular consequence: missense variant. On other transcripts: non-coding transcript variant (14), intron variant (1).
Genome position (GRCh38, 1-based): chr7:128,979,083, G>A on the plus strand (C>T on the coding strand, the complement: TNPO3 is on the minus strand). VCF-style: chr7-128979083-G-A. GRCh37 (hg19) VCF-style: chr7-128619137-G-A.
Other names: c.1769C>T, p.Ala590Val (NM_001191028.3, NM_001382223.1); c.2063C>T, p.Ala688Val (NM_001382216.1); c.2042C>T, p.Ala681Val (NM_001382217.1); c.1961C>T, p.Ala654Val (NM_001382218.1); c.1853C>T, p.Ala618Val (NM_001382219.1); c.1817C>T, p.Ala606Val (NM_001382221.1); c.1814C>T, p.Ala605Val (NM_001382222.1); c.1920+888C>T (NM_001382220.1); short protein forms A654V, A590V, A605V, A606V, A618V, A681V, A688V.
Identifiers: ClinVar variation 290592 (VCV000290592.15), dbSNP rs760634627, ClinGen allele CA4478011.

ClinVar aggregate classification (germline): Uncertain significance. Review status: criteria provided, multiple submitters, no conflicts (2 of 4 stars). 3 submissions from 3 submitters: Uncertain significance (3). Last evaluated 2025-06-26.

Conditions:
Inborn genetic diseases. Identifiers: MedGen C0950123, MeSH D030342.
Autosomal dominant limb-girdle muscular dystrophy type 1F (LGMDD2). Also called: Limb-girdle muscular dystrophy, type 1F; MUSCULAR DYSTROPHY, LIMB-GIRDLE, AUTOSOMAL DOMINANT 2. Identifiers: Orphanet 55595, MedGen C1842062, MONDO:0012034, OMIM 608423.

Allele frequency attached by ClinVar (database versions not stated): gnomAD 0.00001; gnomAD exomes 0.00001 and 0.00002; ExAC 0.00002; TOPMed 0.00005.
gnomAD v4.1: 15 of 1,614,202 alleles (0.00093%); highest among the groups gnomAD compares: East Asian, 0.029%; no homozygotes.

Submissions (3):

Labcorp Genetics (formerly Invitae), Labcorp
Classification: Uncertain significance for Autosomal dominant limb-girdle muscular dystrophy type 1F. Last evaluated: 2025-06-26. Review status: criteria provided, single submitter. Criteria: Invitae Variant Classification Sherloc (09022015). Collection method: clinical testing. Allele origin: germline.
Comment: This sequence change replaces alanine, which is neutral and non-polar, with valine, which is neutral and non-polar, at codon 654 of the TNPO3 protein (p.Ala654Val). This variant is present in population databases (rs760634627, gnomAD 0.03%). This variant has not been reported in the literature in individuals affected with TNPO3-related conditions. ClinVar contains an entry for this variant (Variation ID: 290592). Invitae Evidence Modeling of protein sequence and biophysical properties (such as structural, functional, and spatial information, amino acid conservation, physicochemical variation, residue mobility, and thermodynamic stability) indicates that this missense variant is not expected to disrupt TNPO3 protein function with a negative predictive value of 80%. In summary, the available evidence is currently insufficient to determine the role of this variant in disease. Therefore, it has been classified as a Variant of Uncertain Significance.

Ambry Genetics
Classification: Uncertain significance for Inborn genetic diseases. Last evaluated: 2024-05-07. Review status: criteria provided, single submitter. Criteria: Ambry Variant Classification Scheme 2023. Collection method: clinical testing. Allele origin: germline.

Eurofins Ntd Llc (ga)
Classification: Uncertain significance. Last evaluated: 2016-09-15. Review status: criteria provided, single submitter. Criteria: EGL Classification Definitions 2015. Collection method: clinical testing. Allele origin: germline. Observed: 1 variant allele, 1 heterozygote.